The following is an entry in ClinVar:

ClinVar aggregate classification (germline): Pathogenic (1 of 4 stars; one submission).

Submission:

Labcorp Genetics (formerly Invitae), Labcorp
Classification: Pathogenic. Last evaluated: 2022-12-23. Review status: criteria provided, single submitter. Criteria: Invitae Variant Classification Sherloc (09022015). Collection method: clinical testing. Allele origin: germline.
Comment: This variant is not present in population databases (gnomAD no frequency). This sequence change creates a premature translational stop signal (p.Tyr307*) in the CLCN5 gene. It is expected to result in an absent or disrupted protein product. Loss-of-function variants in CLCN5 are known to be pathogenic (PMID: 22876375, 25907713). This variant has not been reported in the literature in individuals affected with CLCN5-related conditions. For these reasons, this variant has been classified as Pathogenic.

Literature cited by the submitters: PubMed 22876375; PubMed 25907713.

NM_001127898.4(CLCN5):c.1131del (p.Phe376_Tyr377insTer)

Gene: CLCN5 (chloride voltage-gated channel 5; plus strand). Cytogenetic location: Xp11.23.
Variant type: Deletion.
Coding change: c.1131del on transcript NM_001127898.4 (MANE Select); coding-DNA position 1131, one base deleted (T; older notation c.1131delT).
Protein change: p.Phe376_Tyr377insTer.
Molecular consequence: nonsense.
Genome position (GRCh38, 1-based): chrX:50,086,444, T deleted. VCF-style (leftmost placement, unchanged base first): chrX-50086443-AT-A. GRCh37 (hg19) VCF-style: chrX-49851100-AT-A.
Other names: c.921del, p.Phe306_Tyr307insTer (NM_000084.5); c.1131del, p.Phe376_Tyr377insTer (NM_001127899.4); c.981del, p.Phe326_Tyr327insTer (NM_001282163.2).
Identifiers: ClinVar variation 2805439 (VCV002805439.3), dbSNP rs2519433497, ClinGen allele CA2739273518.